The following is an entry in ClinVar:

NM_001378477.3(NYX):c.78T>G (p.Cys26Trp)

Gene: NYX (nyctalopin; plus strand). Cytogenetic location: Xp11.4.
Variant type: single nucleotide variant.
Coding change: c.78T>G on transcript NM_001378477.3 (MANE Select); coding-DNA position 78, T replaced by G.
Protein change: p.Cys26Trp; replaces cysteine 26 with tryptophan.
Molecular consequence: missense variant.
Genome position (GRCh38, 1-based): chrX:41,473,546, T>G. VCF-style: chrX-41473546-T-G. GRCh37 (hg19) VCF-style: chrX-41332799-T-G.
Other names: c.78T>G, p.Cys26Trp (NM_022567.3); short protein forms C26W.
Identifiers: ClinVar variation 2024391 (VCV002024391.4), dbSNP rs2519606438, ClinGen allele CA412989355.

ClinVar aggregate classification (germline): Uncertain significance (1 of 4 stars; one submission).

Submission:

Labcorp Genetics (formerly Invitae), Labcorp
Classification: Uncertain significance. Last evaluated: 2024-11-03. Review status: criteria provided, single submitter. Criteria: Invitae Variant Classification Sherloc (09022015). Collection method: clinical testing. Allele origin: germline.
Comment: This sequence change replaces cysteine, which is neutral and slightly polar, with tryptophan, which is neutral and slightly polar, at codon 31 of the NYX protein (p.Cys31Trp). The frequency data for this variant in the population databases is considered unreliable, as metrics indicate insufficient coverage at this position in the gnomAD database. This variant has not been reported in the literature in individuals affected with NYX-related conditions. ClinVar contains an entry for this variant (Variation ID: 2024391). Invitae Evidence Modeling of protein sequence and biophysical properties (such as structural, functional, and spatial information, amino acid conservation, physicochemical variation, residue mobility, and thermodynamic stability) indicates that this missense variant is expected to disrupt NYX protein function with a positive predictive value of 80%. This variant disrupts the p.Cys31 amino acid residue in NYX. Other variant(s) that disrupt this residue have been observed in individuals with NYX-related conditions (PMID: 11062472, 22735794), which suggests that this may be a clinically significant amino acid residue. In summary, the available evidence is currently insufficient to determine the role of this variant in disease. Therefore, it has been classified as a Variant of Uncertain Significance.

Literature cited by the submitters: PubMed 11062472; PubMed 22735794.